The following is an entry in ClinVar:

NM_001395413.1(POR):c.6A>G (p.Gly2=)

Gene: POR (cytochrome p450 oxidoreductase; plus strand). Cytogenetic location: 7q11.23.
Variant type: single nucleotide variant.
Coding change: c.6A>G on transcript NM_001395413.1 (MANE Select); coding-DNA position 6, A replaced by G.
Protein change: p.Gly2=; no amino-acid change (glycine 2 retained).
Molecular consequence: synonymous variant.
Genome position (GRCh38, 1-based): chr7:75,954,007, A>G. VCF-style: chr7-75954007-A-G. GRCh37 (hg19) VCF-style: chr7-75583325-A-G.
Other names: 15A-G; c.6A>G, p.Gly2= (NM_001367562.3, NM_001382655.3, NM_001382657.2 and 3 more transcripts).
Identifiers: ClinVar variation 16913 (VCV000016913.31), dbSNP rs10262966, ClinGen allele CA257669.

ClinVar aggregate classification (germline): Benign/Likely benign. Review status: criteria provided, multiple submitters, no conflicts (2 of 4 stars). 8 submissions from 8 submitters: Benign (6); Likely benign (1). 1 of the submissions does not count toward it. Last evaluated 2026-02-02.

Conditions:
Antley-Bixler syndrome with genital anomalies and disordered steroidogenesis (ABS1). Also called: POR Deficiency. Identifiers: Orphanet 63269, MedGen C3150099, MONDO:0008726, OMIM 201750.
Congenital adrenal hyperplasia due to cytochrome P450 oxidoreductase deficiency. Also called: DISORDERED STEROIDOGENESIS DUE TO POR DEFICIENCY. Identifiers: Orphanet 95699, MedGen C1860042, MONDO:0013310, OMIM 613571.

Allele frequency attached by ClinVar (database versions not stated): gnomAD exomes 0.03109; ExAC 0.07451; 1000 Genomes Project 30x 0.10759; gnomAD 0.07713; ESP Exome Variant Server 0.08219; TOPMed 0.08916; 1000 Genomes Project 0.10463.
gnomAD v4.1: 33,963 of 1,598,424 alleles (2.1%); highest among the groups gnomAD compares: African/African-American, 27%; 3,076 homozygotes.

Submissions (8):

Labcorp Genetics (formerly Invitae), Labcorp
Classification: Benign for Congenital adrenal hyperplasia due to cytochrome P450 oxidoreductase deficiency. Last evaluated: 2026-02-02. Review status: criteria provided, single submitter. Criteria: Invitae Variant Classification Sherloc (09022015). Collection method: clinical testing. Allele origin: germline.

ARUP Laboratories, Molecular Genetics and Genomics, ARUP Laboratories
Classification: Benign. Last evaluated: 2025-06-24. Review status: criteria provided, single submitter. Criteria: ARUP Molecular Germline Variant Investigation Process 2024. Collection method: clinical testing. Allele origin: germline.

Blueprint Genetics
Classification: Likely benign. Last evaluated: 2024-11-27. Review status: criteria provided, single submitter. Criteria: ACMG Guidelines, 2015. Collection method: clinical testing. Allele origin: germline.

Mendelics
Classification: Benign for Antley-Bixler syndrome with genital anomalies and disordered steroidogenesis. Last evaluated: 2019-05-28. Review status: criteria provided, single submitter. Criteria: Mendelics Assertion Criteria 2017. Collection method: clinical testing. Allele origin: unknown.

Illumina Laboratory Services, Illumina
Classification: Benign for Congenital adrenal hyperplasia due to cytochrome P450 oxidoreductase deficiency. Last evaluated: 2018-01-13. Review status: criteria provided, single submitter. Criteria: ICSL Variant Classification Criteria 13 December 2019. Collection method: clinical testing. Allele origin: germline.
Comment: This variant was observed in the ICSL laboratory as part of a predisposition screen in an ostensibly healthy population. It had not been previously curated by ICSL or reported in the Human Gene Mutation Database (HGMD: prior to June 1st, 2018), and was therefore a candidate for classification through an automated scoring system. Utilizing variant allele frequency, disease prevalence and penetrance estimates, and inheritance mode, an automated score was calculated to assess if this variant is too frequent to cause the disease. Based on the score and internal cut-off values, a variant classified as benign is not then subjected to further curation. The score for this variant resulted in a classification of benign for this disease.

GeneDx
Classification: Benign. Last evaluated: 2015-03-03. Review status: criteria provided, single submitter. Criteria: GeneDx Variant Classification Process June 2021. Collection method: clinical testing. Allele origin: germline. Affected: yes.
Comment: This variant is associated with the following publications: (PMID: 17440066)

Breakthrough Genomics
Classification: Benign. Review status: criteria provided, single submitter. Criteria: ACMG Guidelines, 2015. Collection method: not provided. Allele origin: germline. Inheritance: Autosomal recessive inheritance. Affected: yes.

OMIM
Classification: Pathogenic for ANTLEY-BIXLER SYNDROME WITH GENITAL ANOMALIES AND DISORDERED STEROIDOGENESIS. Last evaluated: 2005-01-01. Review status: no assertion criteria provided. Collection method: literature only. Allele origin: germline. Not counted in ClinVar's aggregate classification.

Literature cited by the submitters: PubMed 15483095 (cited by OMIM).